The following is an entry in ClinVar:

ClinVar aggregate classification (germline): Likely benign (1 of 4 stars; one submission).

Allele frequency attached by ClinVar (database versions not stated): 1000 Genomes Project 30x 0.00078.

Submission:

CeGaT Center for Human Genetics Tuebingen
Classification: Likely benign. Last evaluated: 2025-03-01. Review status: criteria provided, single submitter. Criteria: CeGaT Center For Human Genetics Tuebingen Variant Classification Criteria Version 2. Collection method: clinical testing. Allele origin: germline. Affected: yes. Observed: 11 variant alleles.
Comment: MUC21: BP4, BP7

NM_001010909.5(MUC21):c.1098C>T (p.Ser366=)

Genes: MUC21 (mucin 21, cell surface associated; plus strand), LOC126859647 (CDK7 strongly-dependent group 2 enhancer GRCh37_chr6:30954612-30955811; plus strand). Cytogenetic location: 6p21.33.
Variant type: single nucleotide variant.
Coding change: c.1098C>T on transcript NM_001010909.5 (MANE Select); coding-DNA position 1098, C replaced by T.
Protein change: p.Ser366=; no amino-acid change (serine 366 retained).
Molecular consequence: synonymous variant. On other transcripts: no sequence alteration (1), non-coding transcript variant (1).
Genome position (GRCh38, 1-based): chr6:30,987,273, C>T. VCF-style: chr6-30987273-C-T. GRCh37 (hg19) VCF-style: chr6-30955050-C-T.
Other names: c.1188C>T, p.Ser396= (NM_001322370.2); c.1188=, p.Ser396= (NM_001322371.2).
Identifiers: ClinVar variation 2656372 (VCV002656372.24), dbSNP rs56365660, ClinGen allele CA136800601.